The following is an entry in ClinVar:

ClinVar aggregate classification (germline): Pathogenic (1 of 4 stars; one submission).

Conditions:
DiGeorge syndrome. Also called: THIRD AND FOURTH PHARYNGEAL POUCH SYNDROME; Catch22. Identifiers: Orphanet 567, MedGen C0012236, MONDO:0008564, OMIM 188400.

Submission:

Labcorp Genetics (formerly Invitae), Labcorp
Classification: Pathogenic for DiGeorge syndrome. Last evaluated: 2020-06-03. Review status: criteria provided, single submitter. Criteria: Invitae Variant Classification Sherloc (09022015). Collection method: clinical testing. Allele origin: germline.
Comment: This variant is an out-of-frame deletion of the genomic region encompassing part of exon 3 of the TBX1 gene. This is expected to create a premature translational stop signal and result in an absent or disrupted protein product. This variant has not been reported in the literature in individuals with TBX1-related conditions. Loss-of-function variants in TBX1 are known to be pathogenic (PMID: 11239417, 11242049). For these reasons, this variant has been classified as Pathogenic.

Literature cited by the submitters: PubMed 11239417; PubMed 11242049.

NC_000022.10:g.(?_19748454)_19748649del

Gene: TBX1 (T-box transcription factor 1; plus strand).
Variant type: Deletion.
Identifiers: ClinVar variation 1071029 (VCV001071029.2).